The following is an entry in ClinVar:

NM_000094.4(COL7A1):c.4936G>C (p.Gly1646Arg)

Gene: COL7A1 (collagen type VII alpha 1 chain; minus strand). Cytogenetic location: 3p21.31.
Variant type: single nucleotide variant.
Coding change: c.4936G>C on transcript NM_000094.4 (MANE Select); coding-DNA position 4936, G replaced by C.
Protein change: p.Gly1646Arg; replaces glycine 1646 with arginine.
Molecular consequence: missense variant.
Genome position (GRCh38, 1-based): chr3:48,580,926, C>G on the plus strand (G>C on the coding strand, the complement: COL7A1 is on the minus strand). VCF-style: chr3-48580926-C-G. GRCh37 (hg19) VCF-style: chr3-48618359-C-G.
Other names: short protein forms G1646R.
Identifiers: ClinVar variation 2814675 (VCV002814675.3), dbSNP rs2531093869, ClinGen allele CA352680896.

ClinVar aggregate classification (germline): Uncertain significance (1 of 4 stars; one submission).

Submission:

Labcorp Genetics (formerly Invitae), Labcorp
Classification: Uncertain significance. Last evaluated: 2023-02-24. Review status: criteria provided, single submitter. Criteria: Invitae Variant Classification Sherloc (09022015). Collection method: clinical testing. Allele origin: germline.
Comment: This sequence change replaces glycine, which is neutral and non-polar, with arginine, which is basic and polar, at codon 1646 of the COL7A1 protein (p.Gly1646Arg). In summary, the available evidence is currently insufficient to determine the role of this variant in disease. Therefore, it has been classified as a Variant of Uncertain Significance. Algorithms developed to predict the effect of sequence changes on RNA splicing suggest that this variant may create or strengthen a splice site. Experimental studies and prediction algorithms are not available or were not evaluated, and the functional significance of this variant is currently unknown. This variant has not been reported in the literature in individuals affected with COL7A1-related conditions. This variant is not present in population databases (gnomAD no frequency).